The following is an entry in ClinVar:

ClinVar aggregate classification (germline): Uncertain significance. Review status: criteria provided, multiple submitters, no conflicts (2 of 4 stars). 2 submissions from 2 submitters: Uncertain significance (2). Last evaluated 2025-12-26.

Conditions:
Hereditary cancer-predisposing syndrome. Also called: Tumor predisposition; Hereditary neoplastic syndrome; Hereditary Cancer Syndrome; Neoplastic Syndromes, Hereditary. Identifiers: Orphanet 140162, MedGen C0027672, MeSH D009386, MONDO:0015356.

Submissions (2):

Labcorp Genetics (formerly Invitae), Labcorp
Classification: Uncertain significance. Last evaluated: 2025-12-26. Review status: criteria provided, single submitter. Criteria: Invitae Variant Classification Sherloc (09022015). Collection method: clinical testing. Allele origin: germline.
Comment: This sequence change replaces methionine, which is neutral and non-polar, with isoleucine, which is neutral and non-polar, at codon 283 of the SMARCB1 protein (p.Met283Ile). This variant is not present in population databases (gnomAD no frequency). This variant has not been reported in the literature in individuals affected with SMARCB1-related conditions. ClinVar contains an entry for this variant (Variation ID: 3223090). Invitae Evidence Modeling of protein sequence and biophysical properties (such as structural, functional, and spatial information, amino acid conservation, physicochemical variation, residue mobility, and thermodynamic stability) indicates that this missense variant is not expected to disrupt SMARCB1 protein function with a negative predictive value of 80%. In summary, the available evidence is currently insufficient to determine the role of this variant in disease. Therefore, it has been classified as a Variant of Uncertain Significance.

Ambry Genetics
Classification: Uncertain significance for Hereditary cancer-predisposing syndrome. Last evaluated: 2024-03-09. Review status: criteria provided, single submitter. Criteria: Ambry Variant Classification Scheme 2023. Collection method: clinical testing. Allele origin: germline.
Comment: The p.M283I variant (also known as c.849G>C), located in coding exon 7 of the SMARCB1 gene, results from a G to C substitution at nucleotide position 849. The methionine at codon 283 is replaced by isoleucine, an amino acid with highly similar properties. This amino acid position is highly conserved in available vertebrate species. In addition, this alteration is predicted to be deleterious by in silico analysis. Based on the available evidence, the clinical significance of this alteration remains unclear.

NM_003073.5(SMARCB1):c.849G>C (p.Met283Ile)

Gene: SMARCB1 (SWI/SNF related BAF chromatin remodeling complex subunit B1; plus strand). Cytogenetic location: 22q11.23.
Variant type: single nucleotide variant.
Coding change: c.849G>C on transcript NM_003073.5 (MANE Select); coding-DNA position 849, G replaced by C.
Protein change: p.Met283Ile; replaces methionine 283 with isoleucine.
Molecular consequence: missense variant.
Genome position (GRCh38, 1-based): chr22:23,825,278, G>C. VCF-style: chr22-23825278-G-C. GRCh37 (hg19) VCF-style: chr22-24167465-G-C.
Other names: c.822G>C, p.Met274Ile (NM_001007468.3); c.876G>C, p.Met292Ile (NM_001317946.2); c.903G>C, p.Met301Ile (NM_001362877.2); short protein forms M274I, M283I, M292I, M301I.
Identifiers: ClinVar variation 3223090 (VCV003223090.2), dbSNP rs1601433375, ClinGen allele CA410907041.